The following is an entry in ClinVar:

ClinVar aggregate classification (germline): Benign (0 of 4 stars; one submission).

Conditions:
DRD5-related disorder. Also called: DRD5-related condition.

Allele frequency attached by ClinVar (database versions not stated): 1000 Genomes Project 30x 0.00078; 1000 Genomes Project 0.00080; TOPMed 0.00128; ESP Exome Variant Server 0.00177.
gnomAD v4.1: 357 of 1,613,080 alleles (0.022%); highest among the groups gnomAD compares: African/African-American, 0.44%; no homozygotes.

Submission:

PreventionGenetics, part of Exact Sciences
Classification: Benign for DRD5-related condition. Last evaluated: 2019-06-18. Review status: no assertion criteria provided. Collection method: clinical testing. Allele origin: germline.
Comment: This variant is classified as benign based on ACMG/AMP sequence variant interpretation guidelines (Richards et al. 2015 PMID: 25741868, with internal and published modifications).

NM_000798.5(DRD5):c.804C>G (p.His268Gln)

Genes: DRD5 (dopamine receptor D5; plus strand), SLC2A9 (solute carrier family 2 member 9; minus strand). Cytogenetic location: 4p16.1.
Variant type: single nucleotide variant.
Coding change: c.804C>G on transcript NM_000798.5 (MANE Select); coding-DNA position 804, C replaced by G.
Protein change: p.His268Gln; replaces histidine 268 with glutamine.
Molecular consequence: missense variant.
Genome position (GRCh38, 1-based): chr4:9,782,833, C>G. VCF-style: chr4-9782833-C-G. GRCh37 (hg19) VCF-style: chr4-9784457-C-G.
Other names: short protein forms H268Q.
Identifiers: ClinVar variation 3033610 (VCV003033610.2), dbSNP rs73805846, ClinGen allele CA2856609.